The following is an entry in ClinVar:

NM_000070.3(CAPN3):c.1896G>T (p.Lys632Asn)

Gene: CAPN3 (calpain 3; plus strand). Cytogenetic location: 15q15.1.
Variant type: single nucleotide variant.
Coding change: c.1896G>T on transcript NM_000070.3 (MANE Select); coding-DNA position 1896, G replaced by T.
Protein change: p.Lys632Asn; replaces lysine 632 with asparagine.
Molecular consequence: missense variant. On other transcripts: intron variant (3).
Genome position (GRCh38, 1-based): chr15:42,408,306, G>T. VCF-style: chr15-42408306-G-T. GRCh37 (hg19) VCF-style: chr15-42700504-G-T.
Other names: c.1878G>T, p.Lys626Asn (NM_024344.2); c.360G>T, p.Lys120Asn (NM_173088.2); c.1639-997G>T (NM_173087.2); c.-81-997G>T (NM_173090.2, NM_173089.2); short protein forms K626N, K120N, K632N.
Identifiers: ClinVar variation 3659410 (VCV003659410.2).
Genomic context (GRCh38, chr15:42,408,306, plus strand): 5'-CAAGGAGCTGGGTGTGGACCAGGAGTCAGAGGAGGGCAAAGGCAAAACAAGCCCTGATAA[G>T]CAAAAGCAGTCCCCACAGGTGTCTGGGCATGTGGCATGGGTGGGGTGGCCAGCACGCTAC-3'
Protein context (NP_000061.1, residues 622-642): EEGKGKTSPD[Lys632Asn]QKQSPQPQPG

ClinVar aggregate classification (germline): Uncertain significance (1 of 4 stars; one submission).

Conditions:
Autosomal recessive limb-girdle muscular dystrophy type 2A (LGMDR1). Also called: LEYDEN-MOEBIUS MUSCULAR DYSTROPHY; MUSCULAR DYSTROPHY, PELVOFEMORAL; Limb-girdle muscular dystrophy, type 2A; Calpainopathy; Muscular dystrophy, limb-girdle, type 2A, Amish. Identifiers: Orphanet 267, MedGen C1869123, MONDO:0009675, OMIM 253600. Disease mechanism: loss of function.

Submission:

Labcorp Genetics (formerly Invitae), Labcorp
Classification: Uncertain significance for Autosomal recessive limb-girdle muscular dystrophy type 2A. Last evaluated: 2024-07-12. Review status: criteria provided, single submitter. Criteria: Invitae Variant Classification Sherloc (09022015). Collection method: clinical testing. Allele origin: germline.
Comment: This sequence change replaces lysine, which is basic and polar, with asparagine, which is neutral and polar, at codon 632 of the CAPN3 protein (p.Lys632Asn). This variant is not present in population databases (gnomAD no frequency). This variant has not been reported in the literature in individuals affected with CAPN3-related conditions. Advanced modeling of protein sequence and biophysical properties (such as structural, functional, and spatial information, amino acid conservation, physicochemical variation, residue mobility, and thermodynamic stability) performed at Invitae indicates that this missense variant is not expected to disrupt CAPN3 protein function with a negative predictive value of 80%. In summary, the available evidence is currently insufficient to determine the role of this variant in disease. Therefore, it has been classified as a Variant of Uncertain Significance.